The following is an entry in ClinVar:

ClinVar aggregate classification (germline): Benign/Likely benign. Review status: criteria provided, multiple submitters, no conflicts (2 of 4 stars). 4 submissions from 4 submitters: Benign (1); Likely benign (3). Last evaluated 2025-12-22.

Conditions:
Long QT syndrome 8. Identifiers: MedGen CN260585, MONDO:0032756, OMIM 618447.
Brugada syndrome 3 (BRGDA3). Identifiers: Orphanet 130, MedGen C2678478, MONDO:0012742, OMIM 611875.
Timothy syndrome (TS). Also called: LONG QT SYNDROME WITH SYNDACTYLY. Identifiers: Orphanet 65283, MedGen C1832916, MeSH C536962, MONDO:0010979, OMIM 601005.
Long QT syndrome (LQTS). Identifiers: MedGen C0023976, MeSH D008133, MONDO:0002442. Disease mechanism: loss of function. Inheritance: Various modes of inheritance.

Allele frequency attached by ClinVar (database versions not stated): TOPMed 0.00004; ExAC 0.00005; gnomAD 0.00005; gnomAD exomes 0.00007.
gnomAD v4.1: 172 of 1,547,944 alleles (0.011%); highest among the groups gnomAD compares: Non-Finnish European, 0.015%; no homozygotes.

Submissions (4):

Labcorp Genetics (formerly Invitae), Labcorp
Classification: Likely benign for Long QT syndrome. Last evaluated: 2025-12-22. Review status: criteria provided, single submitter. Criteria: Invitae Variant Classification Sherloc (09022015). Collection method: clinical testing. Allele origin: germline.

Blueprint Genetics
Classification: Likely benign. Last evaluated: 2024-02-02. Review status: criteria provided, single submitter. Criteria: ACMG Guidelines, 2015. Collection method: clinical testing. Allele origin: germline.

Fulgent Genetics
Classification: Likely benign for Timothy syndrome; Brugada syndrome 3; Long QT syndrome 8. Last evaluated: 2021-10-04. Review status: criteria provided, single submitter. Criteria: ACMG Guidelines, 2015. Collection method: clinical testing. Allele origin: unknown.

GeneDx
Classification: Benign. Last evaluated: 2014-07-25. Review status: criteria provided, single submitter. Criteria: GeneDx Variant Classification (06012015). Collection method: clinical testing. Allele origin: germline. Affected: yes.
Comment: This variant is considered likely benign or benign based on one or more of the following criteria: it is a conservative change, it occurs at a poorly conserved position in the protein, it is predicted to be benign by multiple in silico algorithms, and/or has population frequency not consistent with disease.

NM_000719.7(CACNA1C):c.2339+18C>T

Gene: CACNA1C (calcium voltage-gated channel subunit alpha1 C; plus strand). Cytogenetic location: 12p13.33.
Variant type: single nucleotide variant.
Coding change: c.2339+18C>T on transcript NM_000719.7 (MANE Select); 18 bases into the intron after coding-DNA position 2339, C replaced by T.
Molecular consequence: intron variant.
Genome position (GRCh38, 1-based): chr12:2,584,635, C>T. VCF-style: chr12-2584635-C-T. GRCh37 (hg19) VCF-style: chr12-2693801-C-T.
Other names: c.2339+18C>T (NM_001167624.3, NM_001167623.2, NM_001167625.2 and 18 more transcripts); c.2330+18C>T (NM_001129844.2).
Identifiers: ClinVar variation 190613 (VCV000190613.11), dbSNP rs778390407, ClinGen allele CA301112.